The following is an entry in ClinVar:

ClinVar aggregate classification (germline): Uncertain significance (1 of 4 stars; one submission).

Submission:

GeneDx
Classification: Uncertain significance. Last evaluated: 2025-03-06. Review status: criteria provided, single submitter. Criteria: GeneDx Variant Classification Process June 2021. Collection method: clinical testing. Allele origin: germline. Affected: yes.
Comment: Not observed at significant frequency in large population cohorts (gnomAD); In silico analysis supports that this missense variant has a deleterious effect on protein structure/function; Has not been previously published as pathogenic or benign to our knowledge

NM_001369369.1(FOXN1):c.370C>T (p.His124Tyr)

Gene: FOXN1 (forkhead box N1; plus strand). Cytogenetic location: 17q11.2.
Variant type: single nucleotide variant.
Coding change: c.370C>T on transcript NM_001369369.1 (MANE Select); coding-DNA position 370, C replaced by T.
Protein change: p.His124Tyr; replaces histidine 124 with tyrosine.
Molecular consequence: missense variant.
Genome position (GRCh38, 1-based): chr17:28,524,749, C>T. VCF-style: chr17-28524749-C-T. GRCh37 (hg19) VCF-style: chr17-26851767-C-T.
Other names: c.370C>T, p.His124Tyr (NM_003593.3); short protein forms H124Y.
Identifiers: ClinVar variation 4082820 (VCV004082820.1).